The following is an entry in ClinVar:

ClinVar aggregate classification (germline): Uncertain significance. Review status: criteria provided, multiple submitters, no conflicts (2 of 4 stars). 2 submissions from 2 submitters: Uncertain significance (2). Last evaluated 2024-11-11.

Conditions:
Xanthinuria type II. Also called: Xanthine dehydrogenase and aldehyde oxidase combined deficiency of; XDH and AOX dual deficiency. Identifiers: Orphanet 3467, Orphanet 93602, MedGen C1863688, MONDO:0011346, OMIM 603592.
Hereditary xanthinuria type 1 (XAN1). Identifiers: Orphanet 3467, Orphanet 93601, MedGen C0268118, MONDO:0010209, OMIM 278300.

Submissions (2):

Labcorp Genetics (formerly Invitae), Labcorp
Classification: Uncertain significance for Xanthinuria type II. Last evaluated: 2024-11-11. Review status: criteria provided, single submitter. Criteria: Invitae Variant Classification Sherloc (09022015). Collection method: clinical testing. Allele origin: germline.
Comment: This variant, c.2190_2192del, results in the deletion of 1 amino acid(s) of the XDH protein (p.Val731del), but otherwise preserves the integrity of the reading frame. This variant is present in population databases (rs760761330, gnomAD 0.002%). This variant has not been reported in the literature in individuals affected with XDH-related conditions. Experimental studies and prediction algorithms are not available or were not evaluated, and the functional significance of this variant is currently unknown. In summary, the available evidence is currently insufficient to determine the role of this variant in disease. Therefore, it has been classified as a Variant of Uncertain Significance.

Fulgent Genetics
Classification: Uncertain significance for Hereditary xanthinuria type 1. Last evaluated: 2024-03-26. Review status: criteria provided, single submitter. Criteria: ACMG Guidelines, 2015. Collection method: clinical testing. Allele origin: germline.

NM_000379.4(XDH):c.2187TGT[1] (p.Val731del)

Gene: XDH (xanthine dehydrogenase; minus strand). Cytogenetic location: 2p23.1.
Variant type: Microsatellite.
Coding change: c.2187TGT[1] on transcript NM_000379.4 (MANE Select); one copy of the 3-base unit TGT starting at c.2187; the reference has two copies in a row; one copy, 3 bases deleted; also written c.2190_2192del.
Protein change: p.Val731del; deletes valine 731.
Molecular consequence: inframe deletion.
Genome position (GRCh38, 1-based): chr2:31,367,966-31,367,968, ACA deleted on the plus strand (TGT on the coding strand, the reverse complement: XDH is on the minus strand); deleting any 3 consecutive bases within chr2:31,367,966-31,367,971 gives the same sequence; the position shown is the placement nearest the transcript's 3' end. VCF-style (leftmost placement, unchanged base first): chr2-31367965-CACA-C. GRCh37 (hg19) VCF-style: chr2-31590831-CACA-C.
Other names: c.2190_2192del (NM_000379.4); short protein forms V731del.
Identifiers: ClinVar variation 1412600 (VCV001412600.7), dbSNP rs760761330, ClinGen allele CA1598925.